The following is an entry in ClinVar:

ClinVar aggregate classification (germline): Uncertain significance (1 of 4 stars; one submission).

Allele frequency attached by ClinVar (database versions not stated): gnomAD exomes below 0.00001.
gnomAD v4.1: 1 of 1,611,798 alleles (0.000062%); highest among the groups gnomAD compares: East Asian, 0.0022%; no homozygotes.

Submission:

Labcorp Genetics (formerly Invitae), Labcorp
Classification: Uncertain significance. Last evaluated: 2025-09-02. Review status: criteria provided, single submitter. Criteria: Invitae Variant Classification Sherloc (09022015). Collection method: clinical testing. Allele origin: germline.
Comment: This sequence change replaces lysine, which is basic and polar, with glutamic acid, which is acidic and polar, at codon 285 of the ROR2 protein (p.Lys285Glu). This variant is present in population databases (no rsID available, gnomAD 0.006%). This variant has not been reported in the literature in individuals affected with ROR2-related conditions. ClinVar contains an entry for this variant (Variation ID: 1968287). Invitae Evidence Modeling of protein sequence and biophysical properties (such as structural, functional, and spatial information, amino acid conservation, physicochemical variation, residue mobility, and thermodynamic stability) indicates that this missense variant is not expected to disrupt ROR2 protein function with a negative predictive value of 80%. In summary, the available evidence is currently insufficient to determine the role of this variant in disease. Therefore, it has been classified as a Variant of Uncertain Significance.

NM_004560.4(ROR2):c.853A>G (p.Lys285Glu)

Gene: ROR2 (receptor tyrosine kinase like orphan receptor 2; minus strand). Cytogenetic location: 9q22.31.
Variant type: single nucleotide variant.
Coding change: c.853A>G on transcript NM_004560.4 (MANE Select); coding-DNA position 853, A replaced by G.
Protein change: p.Lys285Glu; replaces lysine 285 with glutamic acid.
Molecular consequence: missense variant.
Genome position (GRCh38, 1-based): chr9:91,733,206, T>C on the plus strand (A>G on the coding strand, the complement: ROR2 is on the minus strand). VCF-style: chr9-91733206-T-C. GRCh37 (hg19) VCF-style: chr9-94495488-T-C.
Other names: c.853A>G, p.Lys285Glu (NM_001318204.2); short protein forms K285E.
Identifiers: ClinVar variation 1968287 (VCV001968287.5), dbSNP rs1408089850, ClinGen allele CA373800792.
Genomic context (GRCh38, chr9:91,733,206, plus strand): 5'-TGCCAATGCGCATGCAGTTGGCAGCGTCGGGGCTCTCAGGCATGGGCAGCGCCTCACACT[T>C]GGGCAGCTGAAGCCGCATGAGGATGAGCGGGTTGGAGCGGGCGATGGTGTACTCCTGGCG-3'
Protein context (NP_004551.2, residues 275-295): PLILMRLQLP[Lys285Glu]CEALPMPESP